The following is an entry in ClinVar:

ClinVar aggregate classification (germline): Uncertain significance (1 of 4 stars; one submission).

Conditions:
Hereditary sensory and autonomic neuropathy type 6. Also called: Neuropathy, hereditary sensory and autonomic, type VI; HSAN VI. Identifiers: Orphanet 314381, MedGen C3539003, MONDO:0013839, OMIM 614653.
Epidermolysis bullosa simplex 3, localized or generalized intermediate, with BP230 deficiency (EBS3). Also called: Epidermolysis bullosa simplex due to BP230 deficiency; Epidermolysis bullosa simplex, autosomal recessive 2. Identifiers: Orphanet 412181, MedGen C3809470, MONDO:0014180, OMIM 615425.

Allele frequency attached by ClinVar (database versions not stated): gnomAD exomes below 0.00001; ExAC 0.00001.
gnomAD v4.1: 1 of 1,614,164 alleles (0.000062%); highest among the groups gnomAD compares: Non-Finnish European, 0.000085%; no homozygotes.

Submission:

Labcorp Genetics (formerly Invitae), Labcorp
Classification: Uncertain significance for Epidermolysis bullosa simplex 3, localized or generalized intermediate, with BP230 deficiency; Hereditary sensory and autonomic neuropathy type 6. Last evaluated: 2020-10-20. Review status: criteria provided, single submitter. Criteria: Invitae Variant Classification Sherloc (09022015). Collection method: clinical testing. Allele origin: germline.
Comment: In summary, the available evidence is currently insufficient to determine the role of this variant in disease. Therefore, it has been classified as a Variant of Uncertain Significance. Algorithms developed to predict the effect of missense changes on protein structure and function are either unavailable or do not agree on the potential impact of this missense change (SIFT: "Deleterious"; PolyPhen-2: "Probably Damaging"; Align-GVGD: "Class C0"). This variant has not been reported in the literature in individuals with DST-related conditions. This variant is present in population databases (rs777561792, ExAC 0.001%). This sequence change replaces leucine with tryptophan at codon 1405 of the DST protein (p.Leu1405Trp). The leucine residue is weakly conserved and there is a small physicochemical difference between leucine and tryptophan.

NM_001723.7(DST):c.4214T>G (p.Leu1405Trp)

Gene: DST (dystonin; minus strand). Cytogenetic location: 6p12.1.
Variant type: single nucleotide variant.
Coding change: c.4214T>G on transcript NM_001723.7 (MANE Plus Clinical); coding-DNA position 4214, T replaced by G.
Protein change: p.Leu1405Trp; replaces leucine 1405 with tryptophan.
Molecular consequence: missense variant. On other transcripts: intron variant (10).
Genome position (GRCh38, 1-based): chr6:56,619,820, A>C on the plus strand (T>G on the coding strand, the complement: DST is on the minus strand). VCF-style: chr6-56619820-A-C. GRCh37 (hg19) VCF-style: chr6-56484618-A-C.
Other names: c.4830+4710T>G (NM_001144769.5); c.4929+4710T>G (NM_001374722.1, NM_001374736.1); c.4956+4710T>G (NM_001374734.1); c.4416+4710T>G (NM_001144770.2); c.4296+4710T>G (NM_001374730.1, NM_001386100.1, NM_183380.4 and 1 more transcripts); c.3318+4710T>G (NM_015548.5); short protein forms L1405W.
Identifiers: ClinVar variation 1051641 (VCV001051641.9), dbSNP rs777561792, ClinGen allele CA3870569.